The following is an entry in ClinVar:

NM_000377.3(WAS):c.1090C>T (p.Arg364Ter)

Gene: WAS (WASP actin nucleation promoting factor; plus strand). Cytogenetic location: Xp11.23.
Variant type: single nucleotide variant.
Coding change: c.1090C>T on transcript NM_000377.3 (MANE Select); coding-DNA position 1090, C replaced by T.
Protein change: p.Arg364Ter; replaces arginine 364 with a stop codon.
Molecular consequence: nonsense.
Genome position (GRCh38, 1-based): chrX:48,688,818, C>T. VCF-style: chrX-48688818-C-T. GRCh37 (hg19) VCF-style: chrX-48547207-C-T.
Other names: short protein forms R364*.
Identifiers: ClinVar variation 839782 (VCV000839782.53), dbSNP rs2062429013, ClinGen allele CA412873267.

ClinVar aggregate classification (germline): Pathogenic. Review status: criteria provided, multiple submitters, no conflicts (2 of 4 stars). 4 submissions from 4 submitters: Pathogenic (4). Last evaluated 2024-08-15.

Conditions:
WAS-related disorder. Also called: WAS-related condition; WAS-Related Disorders. Identifiers: MedGen CN381538.
X-linked severe congenital neutropenia (SCNX). Identifiers: Orphanet 86788, MedGen C1845987, MONDO:0010294, OMIM 300299.
Thrombocytopenia 1. Also called: THROMBOCYTOPENIA, X-LINKED, 1; X-linked thrombocytopenia with normal platelets; X-Linked Thrombocytopenia (XLT). Identifiers: Orphanet 268322, Orphanet 852, MedGen C1839163, MONDO:0010743, OMIM 313900.
Wiskott-Aldrich syndrome (WAS). Also called: Wiskott-aldrich syndrome, somatic; WISKOTT-ALDRICH SYNDROME 1; ALDRICH SYNDROME; IMMUNODEFICIENCY 2. Identifiers: Orphanet 906, MedGen C0043194, MONDO:0010518, OMIM 301000.

Submissions (4):

Labcorp Genetics (formerly Invitae), Labcorp
Classification: Pathogenic for Wiskott-Aldrich syndrome; X-linked severe congenital neutropenia; Thrombocytopenia 1. Last evaluated: 2024-08-15. Review status: criteria provided, single submitter. Criteria: Invitae Variant Classification Sherloc (09022015). Collection method: clinical testing. Allele origin: germline.
Comment: This sequence change creates a premature translational stop signal (p.Arg364*) in the WAS gene. It is expected to result in an absent or disrupted protein product. Loss-of-function variants in WAS are known to be pathogenic (PMID: 15284122). This variant is not present in population databases (gnomAD no frequency). This premature translational stop signal has been observed in individual(s) with Wiskott-Aldrichsyndrome and isolated thromobocytopenia (PMID: 10447259, 21185603). It has also been observed to segregate with disease in related individuals. ClinVar contains an entry for this variant (Variation ID: 839782). Algorithms developed to predict the effect of sequence changes on RNA splicing suggest that this variant may disrupt the consensus splice site. For these reasons, this variant has been classified as Pathogenic.

Fulgent Genetics
Classification: Pathogenic for X-linked severe congenital neutropenia; Wiskott-Aldrich syndrome; Thrombocytopenia 1. Last evaluated: 2022-05-16. Review status: criteria provided, single submitter. Criteria: ACMG Guidelines, 2015. Collection method: clinical testing. Allele origin: unknown.

Blueprint Genetics
Classification: Pathogenic for WAS-related disorders. Last evaluated: 2022-05-13. Review status: criteria provided, single submitter. Criteria: ACMG Guidelines, 2015. Collection method: clinical testing. Allele origin: germline. Affected: yes. Observed: 2 variant alleles.

CeGaT Center for Human Genetics Tuebingen
Classification: Pathogenic. Last evaluated: 2020-11-01. Review status: criteria provided, single submitter. Criteria: CeGaT Center For Human Genetics Tuebingen Variant Classification Criteria Version 2. Collection method: clinical testing. Allele origin: germline. Affected: yes. Observed: 2 variant alleles.

Literature cited by the submitters: PubMed 15284122 (cited by Labcorp Genetics (formerly Invitae), Labcorp); PubMed 10447259 (cited by Labcorp Genetics (formerly Invitae), Labcorp); PubMed 21185603 (cited by Labcorp Genetics (formerly Invitae), Labcorp).